The following is an entry in ClinVar:

NM_021098.3(CACNA1H):c.4981G>T (p.Val1661Phe)

Gene: CACNA1H (calcium voltage-gated channel subunit alpha1 H; plus strand). Cytogenetic location: 16p13.3.
Variant type: single nucleotide variant.
Coding change: c.4981G>T on transcript NM_021098.3 (MANE Select); coding-DNA position 4981, G replaced by T.
Protein change: p.Val1661Phe; replaces valine 1661 with phenylalanine.
Molecular consequence: missense variant.
Genome position (GRCh38, 1-based): chr16:1,215,023, G>T. VCF-style: chr16-1215023-G-T. GRCh37 (hg19) VCF-style: chr16-1265023-G-T.
Other names: c.4963G>T, p.Val1655Phe (NM_001005407.2); short protein forms V1655F, V1661F.
Identifiers: ClinVar variation 3364294 (VCV003364294.2).

ClinVar aggregate classification (germline): Uncertain significance (1 of 4 stars; one submission).

Submission:

GeneDx
Classification: Uncertain significance. Last evaluated: 2025-10-06. Review status: criteria provided, single submitter. Criteria: GeneDx Variant Classification Process June 2021. Collection method: clinical testing. Allele origin: germline.
Comment: Not observed at significant frequency in large population cohorts (gnomAD); In silico analysis supports that this missense variant has a deleterious effect on protein structure/function; Has not been previously published as pathogenic or benign to our knowledge